The following is an entry in ClinVar:

ClinVar aggregate classification (germline): Likely benign. Review status: criteria provided, multiple submitters, no conflicts (2 of 4 stars). 2 submissions from 2 submitters: Likely benign (2). Last evaluated 2026-01-16.

Conditions:
SLC12A2-related disorder. Also called: SLC12A2-related disorders; SLC12A2-related condition.

Allele frequency attached by ClinVar (database versions not stated): gnomAD exomes below 0.00001.
gnomAD v4.1: 3 of 1,603,840 alleles (0.00019%); highest among the groups gnomAD compares: Middle Eastern, 0.017%; no homozygotes.

Submissions (2):

PreventionGenetics, part of Exact Sciences
Classification: Likely benign for SLC12A2-related condition. Last evaluated: 2026-01-16. Review status: criteria provided, single submitter. Criteria: ACMG Guidelines, 2015. Collection method: clinical testing. Allele origin: germline.
Comment: This variant is classified as likely benign based on ACMG/AMP sequence variant interpretation guidelines (Richards et al. 2015 PMID: 25741868, with internal and published modifications).

Labcorp Genetics (formerly Invitae), Labcorp
Classification: Likely benign. Last evaluated: 2022-08-22. Review status: criteria provided, single submitter. Criteria: Invitae Variant Classification Sherloc (09022015). Collection method: clinical testing. Allele origin: germline.

NM_001046.3(SLC12A2):c.2127A>G (p.Lys709=)

Gene: SLC12A2 (solute carrier family 12 member 2; plus strand). Cytogenetic location: 5q23.3.
Variant type: single nucleotide variant.
Coding change: c.2127A>G on transcript NM_001046.3 (MANE Select); coding-DNA position 2127, A replaced by G.
Protein change: p.Lys709=; no amino-acid change (lysine 709 retained).
Molecular consequence: synonymous variant. On other transcripts: non-coding transcript variant (1).
Genome position (GRCh38, 1-based): chr5:128,151,260, A>G. VCF-style: chr5-128151260-A-G. GRCh37 (hg19) VCF-style: chr5-127486952-A-G.
Other names: c.2127A>G (NM_001046.2); c.2127A>G, p.Lys709= (NM_001256461.2).
Identifiers: ClinVar variation 1968657 (VCV001968657.6), dbSNP rs1482710153, ClinGen allele CA446303690.